The following is an entry in ClinVar:

ClinVar aggregate classification (germline): Uncertain significance. Review status: criteria provided, multiple submitters, no conflicts (2 of 4 stars). 2 submissions from 2 submitters: Uncertain significance (2). Last evaluated 2024-02-16.

Conditions:
Neuronal ceroid lipofuscinosis. Also called: Neuronal Ceroid Lipofuscinoses. Identifiers: Orphanet 216, Orphanet 79263, MedGen C0027877, MONDO:0016295. Disease mechanism: loss of function.

Allele frequency attached by ClinVar (database versions not stated): gnomAD exomes below 0.00001; TOPMed below 0.00001; ExAC 0.00001; gnomAD 0.00001; 1000 Genomes Project 0.00020; 1000 Genomes Project 30x 0.00031.
gnomAD v4.1: 2 of 1,613,832 alleles (0.00012%); highest among the groups gnomAD compares: African/African-American, 0.0027%; no homozygotes.

Submissions (2):

Labcorp Genetics (formerly Invitae), Labcorp
Classification: Uncertain significance for Neuronal ceroid lipofuscinosis. Last evaluated: 2024-02-16. Review status: criteria provided, single submitter. Criteria: Invitae Variant Classification Sherloc (09022015). Collection method: clinical testing. Allele origin: germline.
Comment: This sequence change replaces aspartic acid, which is acidic and polar, with glutamic acid, which is acidic and polar, at codon 45 of the CTSD protein (p.Asp45Glu). This variant is present in population databases (rs573939509, gnomAD 0.007%). This variant has not been reported in the literature in individuals affected with CTSD-related conditions. ClinVar contains an entry for this variant (Variation ID: 452273). Algorithms developed to predict the effect of missense changes on protein structure and function output the following: SIFT: "Not Available"; PolyPhen-2: "Benign"; Align-GVGD: "Not Available". The glutamic acid amino acid residue is found in multiple mammalian species, which suggests that this missense change does not adversely affect protein function. In summary, the available evidence is currently insufficient to determine the role of this variant in disease. Therefore, it has been classified as a Variant of Uncertain Significance.

GeneDx
Classification: Uncertain significance. Last evaluated: 2017-09-22. Review status: criteria provided, single submitter. Criteria: GeneDx Variant Classification (06012015). Collection method: clinical testing. Allele origin: germline. Affected: yes.
Comment: A variant of uncertain significance has been identified in the CTSD gene. The D45E variant has not been published as a pathogenic variant, nor has it been reported as a benign variant to our knowledge. The D45E variant is a conservative amino acid substitution, which is not likely to impact secondary protein structure as these residues share similar properties. This substitution occurs at a position that is not conserved. In silico analysis predicts this variant likely does not alter the protein structure/function. However, the D45E variant is not observed at a significant frequency in large population cohorts (Lek et al., 2016). Therefore, based on the currently available information, it is unclear whether this variant is a pathogenic variant or a rare benign variant.

NM_001909.5(CTSD):c.135C>G (p.Asp45Glu)

Genes: PRADX (PRC2 and DDX5 associated lncRNA; plus strand), CTSD (cathepsin D; minus strand). Cytogenetic location: 11p15.5.
Variant type: single nucleotide variant.
Coding change: c.135C>G on transcript NM_001909.5 (MANE Select); coding-DNA position 135, C replaced by G.
Protein change: p.Asp45Glu; replaces aspartic acid 45 with glutamic acid.
Molecular consequence: missense variant.
Genome position (GRCh38, 1-based): chr11:1,761,402, G>C on the plus strand (C>G on the coding strand, the complement: CTSD is on the minus strand). VCF-style: chr11-1761402-G-C. GRCh37 (hg19) VCF-style: chr11-1782632-G-C.
Other names: short protein forms D45E.
Identifiers: ClinVar variation 452273 (VCV000452273.9), dbSNP rs573939509, ClinGen allele CA5814283.